The following is an entry in ClinVar:

ClinVar aggregate classification (germline): Likely pathogenic (1 of 4 stars; one submission).

Conditions:
Familial focal epilepsy with variable foci (FPEVF). Identifiers: Orphanet 98820, MedGen C1858477, MONDO:0020310.

Submission:

Labcorp Genetics (formerly Invitae), Labcorp
Classification: Likely pathogenic for Familial focal epilepsy with variable foci. Last evaluated: 2021-06-11. Review status: criteria provided, single submitter. Criteria: Invitae Variant Classification Sherloc (09022015). Collection method: clinical testing. Allele origin: germline.
Comment: In summary, the currently available evidence indicates that the variant is pathogenic, but additional data are needed to prove that conclusively. Therefore, this variant has been classified as Likely Pathogenic. Donor and acceptor splice site variants typically lead to a loss of protein function (PMID: 16199547), and loss-of-function variants in DEPDC5 are known to be pathogenic (PMID: 23542697, 23542701). Algorithms developed to predict the effect of sequence changes on RNA splicing suggest that this variant may disrupt the consensus splice site, but this prediction has not been confirmed by published transcriptional studies. This variant has not been reported in the literature in individuals with DEPDC5-related disease. This variant is not present in population databases (ExAC no frequency). This sequence change affects acceptor splice site in intron 20 of the DEPDC5 gene. It is expected to disrupt RNA splicing and likely results in an absent or disrupted protein product.

Literature cited by the submitters: PubMed 16199547; PubMed 23542697; PubMed 23542701.

NM_001242896.3(DEPDC5):c.1446-1G>T

Gene: DEPDC5 (DEP domain containing 5, GATOR1 subcomplex subunit; plus strand). Cytogenetic location: 22q12.3.
Variant type: single nucleotide variant.
Coding change: c.1446-1G>T on transcript NM_001242896.3 (MANE Select); the canonical splice acceptor site of the intron before coding-DNA position 1446, G replaced by T.
Molecular consequence: splice acceptor variant.
Genome position (GRCh38, 1-based): chr22:31,814,991, G>T. VCF-style: chr22-31814991-G-T. GRCh37 (hg19) VCF-style: chr22-32210977-G-T.
Other names: c.1446-1G>T (NM_001364318.2, NM_001136029.4, NM_014662.6 and 7 more transcripts); c.1362-1G>T (NM_001369902.1, NM_001369901.1).
Identifiers: ClinVar variation 534786 (VCV000534786.9), dbSNP rs1555885023, ClinGen allele CA411277810.